The following is an entry in ClinVar:

NM_003500.4(ACOX2):c.1673C>T (p.Ala558Val)

Gene: ACOX2 (acyl-CoA oxidase 2; minus strand). Cytogenetic location: 3p14.3.
Variant type: single nucleotide variant.
Coding change: c.1673C>T on transcript NM_003500.4 (MANE Select); coding-DNA position 1673, C replaced by T.
Protein change: p.Ala558Val; replaces alanine 558 with valine.
Molecular consequence: missense variant.
Genome position (GRCh38, 1-based): chr3:58,517,383, G>A on the plus strand (C>T on the coding strand, the complement: ACOX2 is on the minus strand). VCF-style: chr3-58517383-G-A. GRCh37 (hg19) VCF-style: chr3-58503110-G-A.
Other names: short protein forms A558V.
Identifiers: ClinVar variation 4745867 (VCV004745867.1).

ClinVar aggregate classification (germline): Uncertain significance (1 of 4 stars; one submission).

gnomAD v4.1: 1 of 1,614,034 alleles (0.000062%); highest among the groups gnomAD compares: Non-Finnish European, 0.000085%; no homozygotes.

Submission:

Labcorp Genetics (formerly Invitae), Labcorp
Classification: Uncertain significance. Last evaluated: 2025-06-05. Review status: criteria provided, single submitter. Criteria: Invitae Variant Classification Sherloc (09022015). Collection method: clinical testing. Allele origin: germline.
Comment: This sequence change replaces alanine, which is neutral and non-polar, with valine, which is neutral and non-polar, at codon 558 of the ACOX2 protein (p.Ala558Val). This variant is not present in population databases (gnomAD no frequency). This variant has not been reported in the literature in individuals affected with ACOX2-related conditions. Invitae Evidence Modeling of protein sequence and biophysical properties (such as structural, functional, and spatial information, amino acid conservation, physicochemical variation, residue mobility, and thermodynamic stability) indicates that this missense variant is not expected to disrupt ACOX2 protein function with a negative predictive value of 80%. In summary, the available evidence is currently insufficient to determine the role of this variant in disease. Therefore, it has been classified as a Variant of Uncertain Significance.